The following is an entry in ClinVar:

NM_014855.3(AP5Z1):c.596T>G (p.Phe199Cys)

Gene: AP5Z1 (adaptor related protein complex 5 subunit zeta 1; plus strand). Cytogenetic location: 7p22.1.
Variant type: single nucleotide variant.
Coding change: c.596T>G on transcript NM_014855.3 (MANE Select); coding-DNA position 596, T replaced by G.
Protein change: p.Phe199Cys; replaces phenylalanine 199 with cysteine.
Molecular consequence: missense variant. On other transcripts: non-coding transcript variant (1).
Genome position (GRCh38, 1-based): chr7:4,783,773, T>G. VCF-style: chr7-4783773-T-G. GRCh37 (hg19) VCF-style: chr7-4823404-T-G.
Other names: c.128T>G, p.Phe43Cys (NM_001364858.1); c.596T>G (NM_014855.2); short protein forms F199C, F43C.
Identifiers: ClinVar variation 2154857 (VCV002154857.7), dbSNP rs952320860, ClinGen allele CA153020432.

ClinVar aggregate classification (germline): Uncertain significance. Review status: criteria provided, multiple submitters, no conflicts (2 of 4 stars). 2 submissions from 2 submitters: Uncertain significance (2). Last evaluated 2025-11-20.

Conditions:
Inborn genetic diseases. Identifiers: MedGen C0950123, MeSH D030342.
Hereditary spastic paraplegia 48. Also called: Spastic paraplegia 48; SPASTIC PARAPLEGIA 48, AUTOSOMAL RECESSIVE. Identifiers: Orphanet 306511, MedGen C3150901, MONDO:0013342, OMIM 613647.

Allele frequency attached by ClinVar (database versions not stated): gnomAD exomes 0.00002; gnomAD 0.00003; TOPMed 0.00003.
gnomAD v4.1: 37 of 1,549,702 alleles (0.0024%); highest among the groups gnomAD compares: Middle Eastern, 0.017%; no homozygotes.

Submissions (2):

Ambry Genetics
Classification: Uncertain significance for Inborn genetic diseases. Last evaluated: 2025-11-20. Review status: criteria provided, single submitter. Criteria: Ambry Variant Classification Scheme 2023. Collection method: clinical testing. Allele origin: germline.
Comment: The c.596T>G (p.F199C) alteration is located in exon 5 (coding exon 5) of the AP5Z1 gene. This alteration results from a T to G substitution at nucleotide position 596, causing the phenylalanine (F) at amino acid position 199 to be replaced by a cysteine (C). Based on data from gnomAD, the G allele has an overall frequency of 0.003% (4/153992) total alleles studied. The highest observed frequency was 0.012% (3/24732) of Latino alleles. Based on insufficient or conflicting evidence, the clinical significance of this alteration remains unclear.

Labcorp Genetics (formerly Invitae), Labcorp
Classification: Uncertain significance for Hereditary spastic paraplegia 48. Last evaluated: 2022-03-27. Review status: criteria provided, single submitter. Criteria: Invitae Variant Classification Sherloc (09022015). Collection method: clinical testing. Allele origin: germline.
Comment: This sequence change replaces phenylalanine, which is neutral and non-polar, with cysteine, which is neutral and slightly polar, at codon 199 of the AP5Z1 protein (p.Phe199Cys). This variant is present in population databases (no rsID available, gnomAD 0.01%). This variant has not been reported in the literature in individuals affected with AP5Z1-related conditions. Algorithms developed to predict the effect of missense changes on protein structure and function are either unavailable or do not agree on the potential impact of this missense change (SIFT: "Deleterious"; PolyPhen-2: "Probably Damaging"; Align-GVGD: "Class C0"). In summary, the available evidence is currently insufficient to determine the role of this variant in disease. Therefore, it has been classified as a Variant of Uncertain Significance.